The following is an entry in ClinVar:

ClinVar aggregate classification (germline): Uncertain significance (1 of 4 stars; one submission).

gnomAD v4.1: 11 of 1,613,642 alleles (0.00068%); highest among the groups gnomAD compares: Non-Finnish European, 0.00093%; no homozygotes.

Submission:

GeneDx
Classification: Uncertain significance. Last evaluated: 2025-04-28. Review status: criteria provided, single submitter. Criteria: GeneDx Variant Classification Process June 2021. Collection method: clinical testing. Allele origin: germline. Affected: yes.
Comment: Not observed at significant frequency in large population cohorts (gnomAD); In silico analysis supports that this missense variant has a deleterious effect on protein structure/function; Has not been previously published as pathogenic or benign to our knowledge

NM_018896.5(CACNA1G):c.5456C>T (p.Ser1819Phe)

Gene: CACNA1G (calcium voltage-gated channel subunit alpha1 G; plus strand). Cytogenetic location: 17q21.33.
Variant type: single nucleotide variant.
Coding change: c.5456C>T on transcript NM_018896.5 (MANE Select); coding-DNA position 5456, C replaced by T.
Protein change: p.Ser1819Phe; replaces serine 1819 with phenylalanine.
Molecular consequence: missense variant. On other transcripts: non-coding transcript variant (5).
Genome position (GRCh38, 1-based): chr17:50,618,683, C>T. VCF-style: chr17-50618683-C-T. GRCh37 (hg19) VCF-style: chr17-48696044-C-T.
Other names: c.5423C>T, p.Ser1808Phe (NM_198377.3, NM_198378.3, NM_198380.3 and 1 more transcripts); c.5354C>T, p.Ser1785Phe (NM_198379.3, NM_198387.3, NM_198396.3 and 2 more transcripts); c.5387C>T, p.Ser1796Phe (NM_198382.3, NM_198383.3); c.5456C>T, p.Ser1819Phe (NM_198384.3, NM_198385.3, NM_001256333.2); c.5402C>T, p.Ser1801Phe (NM_198386.3, NM_001256324.2); c.5333C>T, p.Ser1778Phe (NM_198388.3); c.5477C>T, p.Ser1826Phe (NM_001256325.2); c.5321C>T, p.Ser1774Phe (NM_001256326.2, NM_001256330.2); and 7 more; short protein forms S1762F, S1767F, S1774F, S1778F, S1781F, S1783F, S1785F, S1792F.
Identifiers: ClinVar variation 4527413 (VCV004527413.1).
Genomic context (GRCh38, chr17:50,618,683, plus strand): 5'-CCAGCCTCACCCCTCTATTCCACCCTCCCCAGGACACCCTCCGGGACTGTGACCAGGAGT[C>T]CACCTGCTACAACACGGTCATCTCGCCTATCTACTTTGTGTCCTTCGTGCTGACGGCCCA-3'
Protein context (NP_061496.2, residues 1809-1829): KDTLRDCDQE[Ser1819Phe]TCYNTVISPI